The following is an entry in ClinVar:

ClinVar aggregate classification (germline): Uncertain significance. Review status: criteria provided, multiple submitters, no conflicts (2 of 4 stars). 3 submissions from 3 submitters: Uncertain significance (3). Last evaluated 2025-11-26.

Conditions:
Inborn genetic diseases. Identifiers: MedGen C0950123, MeSH D030342.
Cortical dysplasia-focal epilepsy syndrome (PTHSL1). Also called: Pitt-Hopkins-like syndrome 1. Identifiers: Orphanet 163681, Orphanet 221150, MedGen C2750246, MONDO:0012400, OMIM 610042.

Allele frequency attached by ClinVar (database versions not stated): ExAC 0.00001; gnomAD 0.00001 and 0.00002; gnomAD exomes 0.00002 and 0.00004; TOPMed 0.00004.
gnomAD v4.1: 13 of 1,613,584 alleles (0.00081%); highest among the groups gnomAD compares: Admixed American, 0.022%; no homozygotes.

Submissions (3):

Ambry Genetics
Classification: Uncertain significance for Inborn genetic diseases. Last evaluated: 2025-11-26. Review status: criteria provided, single submitter. Criteria: Ambry Variant Classification Scheme 2023. Collection method: clinical testing. Allele origin: germline.

Labcorp Genetics (formerly Invitae), Labcorp
Classification: Uncertain significance for Cortical dysplasia-focal epilepsy syndrome. Last evaluated: 2022-10-22. Review status: criteria provided, single submitter. Criteria: Invitae Variant Classification Sherloc (09022015). Collection method: clinical testing. Allele origin: germline.
Comment: This sequence change replaces proline, which is neutral and non-polar, with serine, which is neutral and polar, at codon 375 of the CNTNAP2 protein (p.Pro375Ser). This variant is present in population databases (rs757993314, gnomAD 0.03%). This variant has not been reported in the literature in individuals affected with CNTNAP2-related conditions. ClinVar contains an entry for this variant (Variation ID: 453068). Algorithms developed to predict the effect of missense changes on protein structure and function (SIFT, PolyPhen-2, Align-GVGD) all suggest that this variant is likely to be tolerated. In summary, the available evidence is currently insufficient to determine the role of this variant in disease. Therefore, it has been classified as a Variant of Uncertain Significance.

GeneDx
Classification: Uncertain significance. Last evaluated: 2020-01-02. Review status: criteria provided, single submitter. Criteria: GeneDx Variant Classification Process June 2021. Collection method: clinical testing. Allele origin: germline. Affected: yes.
Comment: In silico analysis, which includes protein predictors and evolutionary conservation, supports a deleterious effect; Has not been previously published as pathogenic or benign to our knowledge

NM_014141.6(CNTNAP2):c.1123C>T (p.Pro375Ser)

Gene: CNTNAP2 (contactin associated protein 2; plus strand). Cytogenetic location: 7q35.
Variant type: single nucleotide variant.
Coding change: c.1123C>T on transcript NM_014141.6 (MANE Select); coding-DNA position 1123, C replaced by T.
Protein change: p.Pro375Ser; replaces proline 375 with serine.
Molecular consequence: missense variant.
Genome position (GRCh38, 1-based): chr7:147,132,284, C>T. VCF-style: chr7-147132284-C-T. GRCh37 (hg19) VCF-style: chr7-146829376-C-T.
Other names: short protein forms P375S.
Identifiers: ClinVar variation 453068 (VCV000453068.11), dbSNP rs757993314, ClinGen allele CA4545988.